The following is an entry in ClinVar:

ClinVar aggregate classification (germline): Uncertain significance (1 of 4 stars; one submission).

gnomAD v4.1: 2 of 1,614,032 alleles (0.00012%); highest among the groups gnomAD compares: African/African-American, 0.0013%; no homozygotes.

Submission:

GeneDx
Classification: Uncertain significance. Last evaluated: 2024-02-01. Review status: criteria provided, single submitter. Criteria: GeneDx Variant Classification Process June 2021. Collection method: clinical testing. Allele origin: germline. Affected: yes.
Comment: Not observed at significant frequency in large population cohorts (gnomAD); In silico analysis supports that this missense variant does not alter protein structure/function; Has not been previously published as pathogenic or benign to our knowledge

NM_001303256.3(MORC2):c.2174C>T (p.Ser725Leu)

Gene: MORC2 (MORC family CW-type zinc finger 2; minus strand). Cytogenetic location: 22q12.2.
Variant type: single nucleotide variant.
Coding change: c.2174C>T on transcript NM_001303256.3 (MANE Select); coding-DNA position 2174, C replaced by T.
Protein change: p.Ser725Leu; replaces serine 725 with leucine.
Molecular consequence: missense variant.
Genome position (GRCh38, 1-based): chr22:30,934,800, G>A on the plus strand (C>T on the coding strand, the complement: MORC2 is on the minus strand). VCF-style: chr22-30934800-G-A. GRCh37 (hg19) VCF-style: chr22-31330787-G-A.
Other names: c.2174C>T, p.Ser725Leu (NM_001303257.2); c.1988C>T, p.Ser663Leu (NM_014941.3); short protein forms S663L, S725L.
Identifiers: ClinVar variation 3368409 (VCV003368409.1).